The following is an entry in ClinVar:

ClinVar aggregate classification (germline): Uncertain significance (1 of 4 stars; one submission).

Conditions:
Acute myeloid leukemia (AML). Also called: Acute myeloid leukemia, adult; AML adult; Acute non-lymphocytic leukemia; Acute granulocytic leukemia; Leukemia, acute myeloid, somatic; Leukemia, acute myelogenous, somatic. Identifiers: Orphanet 519, MedGen C0023467, MeSH D015470, MONDO:0018874, OMIM 601626, HP:0004808. Disease mechanism: Constitutively activated FLT3.

Submission:

Labcorp Genetics (formerly Invitae), Labcorp
Classification: Uncertain significance for Acute myeloid leukemia. Last evaluated: 2022-06-28. Review status: criteria provided, single submitter. Criteria: Invitae Variant Classification Sherloc (09022015). Collection method: clinical testing. Allele origin: germline.
Comment: In summary, the available evidence is currently insufficient to determine the role of this variant in disease. Therefore, it has been classified as a Variant of Uncertain Significance. This variant has not been reported in the literature in individuals affected with CEBPA-related conditions. This variant is not present in population databases (gnomAD no frequency). This sequence change affects codon 256 of the CEBPA mRNA. It is a 'silent' change, meaning that it does not change the encoded amino acid sequence of the CEBPA protein.

NM_004364.5(CEBPA):c.768G>T (p.Leu256=)

Gene: CEBPA (CCAAT enhancer binding protein alpha; minus strand). Cytogenetic location: 19q13.11.
Variant type: single nucleotide variant.
Coding change: c.768G>T on transcript NM_004364.5 (MANE Select); coding-DNA position 768, G replaced by T.
Protein change: p.Leu256=; no amino-acid change (leucine 256 retained).
Molecular consequence: synonymous variant.
Genome position (GRCh38, 1-based): chr19:33,301,647, C>A on the plus strand (G>T on the coding strand, the complement: CEBPA is on the minus strand). VCF-style: chr19-33301647-C-A. GRCh37 (hg19) VCF-style: chr19-33792553-C-A.
Other names: c.411G>T, p.Leu137= (NM_001285829.2); c.873G>T, p.Leu291= (NM_001287424.2); c.726G>T, p.Leu242= (NM_001287435.2).
Identifiers: ClinVar variation 1997392 (VCV001997392.4), dbSNP rs2513329245, ClinGen allele CA507007119.